The following is an entry in ClinVar:

ClinVar aggregate classification (germline): Uncertain significance. Review status: criteria provided, multiple submitters, no conflicts (2 of 4 stars). 5 submissions from 5 submitters: Uncertain significance (3). 2 of the submissions do not count toward it. Last evaluated 2025-08-04.

Conditions:
Inborn genetic diseases. Identifiers: MedGen C0950123, MeSH D030342.
FANCA-related disorder. Also called: FANCA-related condition.
Fanconi anemia complementation group A (FANCA). Also called: FANCA-Related Fanconi Anemia; Fanconi anemia, group A. Identifiers: Orphanet 84, MedGen C3469521, MONDO:0009215, OMIM 227650.
Fanconi anemia (FA). Also called: Fanconi's anemia. Identifiers: Orphanet 84, MedGen C0015625, MeSH D005199, MONDO:0019391.

Allele frequency attached by ClinVar (database versions not stated): TOPMed 0.00001.
gnomAD v4.1: 4 of 1,526,154 alleles (0.00026%); highest among the groups gnomAD compares: East Asian, 0.0025%; no homozygotes.

Submissions (5):

Labcorp Genetics (formerly Invitae), Labcorp
Classification: Uncertain significance for Fanconi anemia. Last evaluated: 2025-08-04. Review status: criteria provided, single submitter. Criteria: Invitae Variant Classification Sherloc (09022015). Collection method: clinical testing. Allele origin: germline.
Comment: This sequence change replaces serine, which is neutral and polar, with phenylalanine, which is neutral and non-polar, at codon 9 of the FANCA protein (p.Ser9Phe). The frequency data for this variant in the population databases is considered unreliable, as metrics indicate poor data quality at this position in the gnomAD database. This variant has not been reported in the literature in individuals affected with FANCA-related conditions. ClinVar contains an entry for this variant (Variation ID: 971458). Invitae Evidence Modeling of protein sequence and biophysical properties (such as structural, functional, and spatial information, amino acid conservation, physicochemical variation, residue mobility, and thermodynamic stability) indicates that this missense variant is not expected to disrupt FANCA protein function with a negative predictive value of 95%. In summary, the available evidence is currently insufficient to determine the role of this variant in disease. Therefore, it has been classified as a Variant of Uncertain Significance.

Ambry Genetics
Classification: Uncertain significance for Inborn genetic diseases. Last evaluated: 2024-12-15. Review status: criteria provided, single submitter. Criteria: Ambry Variant Classification Scheme 2023. Collection method: clinical testing. Allele origin: germline.
Comment: The p.S9F variant (also known as c.26C>T), located in coding exon 1 of the FANCA gene, results from a C to T substitution at nucleotide position 26. The serine at codon 9 is replaced by phenylalanine, an amino acid with highly dissimilar properties. This amino acid position is conserved. In addition, this alteration is predicted to be tolerated by in silico analysis. Based on the available evidence, the clinical significance of this variant remains unclear.

PreventionGenetics, part of Exact Sciences
Classification: Uncertain significance for FANCA-related condition. Last evaluated: 2023-08-18. Review status: criteria provided, single submitter. Criteria: ACMG Guidelines, 2015. Collection method: clinical testing. Allele origin: germline.
Comment: The FANCA c.26C>T variant is predicted to result in the amino acid substitution p.Ser9Phe. To our knowledge, this variant has not been reported in the literature. This variant is reported in 0.013% of alleles in individuals of Ashkenazi Jewish descent in gnomAD. At this time, the clinical significance of this variant is uncertain due to the absence of conclusive functional and genetic evidence.

Natera, Inc.
Classification: Uncertain significance for Fanconi anemia. Last evaluated: 2021-09-01. Review status: no assertion criteria provided. Collection method: clinical testing. Allele origin: germline. Not counted in ClinVar's aggregate classification.

Clinical Genomics Laboratory, Stanford Medicine
Classification: Uncertain significance for Fanconi anemia complementation group A. Last evaluated: 2020-10-16. Review status: no assertion criteria provided. Collection method: clinical testing. Allele origin: germline. Affected: yes. Observed: 1 heterozygote. Not counted in ClinVar's aggregate classification.
Comment: The p.Ser9Phe variant in the FANCA gene has not been previously reported in association with disease. This variant has been identified in 2/122,936 chromosomes by the Genome Aggregation Database. Although this variant has been seen in the general population, its frequency is low enough to be consistent with a recessive carrier frequency. Of note, this position has a low coverage warning in gnomAD and allele frequencies may not be accurate. Computational tools predict that the p.Ser9Phe variant does not impact protein function; however, the accuracy of in silico algorithms is limited. The serine at position 9 is poorly evolutionarily conserved and 1 species (platypus)/100 vertebrate species has a phenylalanine at this position. These data were assessed using the ACMG/AMP variant interpretation guidelines. In summary, the significance of the p.Ser9Phe variant is uncertain. Additional information is needed to resolve the significance of this variant [ACMG evidence codes used: PM2; BP4]

NM_000135.4(FANCA):c.26C>T (p.Ser9Phe)

Genes: FANCA (FA complementation group A; minus strand), LOC112486223 (Sharpr-MPRA regulatory region 3988; plus strand). Cytogenetic location: 16q24.3.
Variant type: single nucleotide variant.
Coding change: c.26C>T on transcript NM_000135.4 (MANE Select); coding-DNA position 26, C replaced by T.
Protein change: p.Ser9Phe; replaces serine 9 with phenylalanine.
Molecular consequence: missense variant.
Genome position (GRCh38, 1-based): chr16:89,816,590, G>A on the plus strand (C>T on the coding strand, the complement: FANCA is on the minus strand). VCF-style: chr16-89816590-G-A. GRCh37 (hg19) VCF-style: chr16-89882998-G-A.
Other names: p.Ser9Phe; c.26C>T, p.Ser9Phe (NM_001018112.3, NM_001286167.3, NM_001351830.2); short protein forms S9F.
Identifiers: ClinVar variation 971458 (VCV000971458.13), dbSNP rs752776388, ClinGen allele CA8253272.